The following is an entry in ClinVar:

NM_001013838.3(CARMIL2):c.521G>A (p.Arg174Gln)

Gene: CARMIL2 (capping protein regulator and myosin 1 linker 2; plus strand). Cytogenetic location: 16q22.1.
Variant type: single nucleotide variant.
Coding change: c.521G>A on transcript NM_001013838.3 (MANE Select); coding-DNA position 521, G replaced by A.
Protein change: p.Arg174Gln; replaces arginine 174 with glutamine.
Molecular consequence: missense variant.
Genome position (GRCh38, 1-based): chr16:67,646,768, G>A. VCF-style: chr16-67646768-G-A. GRCh37 (hg19) VCF-style: chr16-67680671-G-A.
Other names: c.521G>A, p.Arg174Gln (NM_001317026.3); short protein forms R174Q.
Identifiers: ClinVar variation 2046276 (VCV002046276.3), dbSNP rs201242195, ClinGen allele CA8113097.

ClinVar aggregate classification (germline): Uncertain significance (1 of 4 stars; one submission).

Submission:

Labcorp Genetics (formerly Invitae), Labcorp
Classification: Uncertain significance. Last evaluated: 2026-01-01. Review status: criteria provided, single submitter. Criteria: Invitae Variant Classification Sherloc (09022015). Collection method: clinical testing. Allele origin: germline.
Comment: This sequence change replaces arginine, which is basic and polar, with glutamine, which is neutral and polar, at codon 174 of the CARMIL2 protein (p.Arg174Gln). This variant is present in population databases (rs201242195, gnomAD 0.04%). This variant has not been reported in the literature in individuals affected with CARMIL2-related conditions. ClinVar contains an entry for this variant (Variation ID: 2046276). Invitae Evidence Modeling of protein sequence and biophysical properties (such as structural, functional, and spatial information, amino acid conservation, physicochemical variation, residue mobility, and thermodynamic stability) indicates that this missense variant is not expected to disrupt CARMIL2 protein function with a negative predictive value of 80%. In summary, the available evidence is currently insufficient to determine the role of this variant in disease. Therefore, it has been classified as a Variant of Uncertain Significance.